The following is an entry in ClinVar:

NM_001042492.3(NF1):c.7054A>C (p.Asn2352His)

Gene: NF1 (neurofibromin 1; plus strand). Cytogenetic location: 17q11.2.
Variant type: single nucleotide variant.
Coding change: c.7054A>C on transcript NM_001042492.3 (MANE Select); coding-DNA position 7054, A replaced by C.
Protein change: p.Asn2352His; replaces asparagine 2352 with histidine.
Molecular consequence: missense variant.
Genome position (GRCh38, 1-based): chr17:31,340,637, A>C. VCF-style: chr17-31340637-A-C. GRCh37 (hg19) VCF-style: chr17-29667655-A-C.
Other names: c.6991A>C, p.Asn2331His (NM_000267.4); short protein forms N2331H, N2352H.
Identifiers: ClinVar variation 4860996 (VCV004860996.1).

ClinVar aggregate classification (germline): Uncertain significance (1 of 4 stars; one submission).

Conditions:
Cardiovascular phenotype. Identifiers: MedGen CN230736.
Hereditary cancer-predisposing syndrome. Also called: Neoplastic Syndromes, Hereditary; Tumor predisposition; Hereditary Cancer Syndrome; Hereditary neoplastic syndrome. Identifiers: Orphanet 140162, MedGen C0027672, MeSH D009386, MONDO:0015356.

gnomAD v4.1: 2 of 1,614,024 alleles (0.00012%); highest among the groups gnomAD compares: Non-Finnish European, 0.00017%; no homozygotes.

Submission:

Ambry Genetics
Classification: Uncertain significance for Cardiovascular phenotype; Hereditary cancer-predisposing syndrome. Last evaluated: 2026-06-09. Review status: criteria provided, single submitter. Criteria: Ambry Variant Classification Scheme 2023. Collection method: clinical testing. Allele origin: germline.
Comment: The p.N2331H variant (also known as c.6991A>C), located in coding exon 46 of the NF1 gene, results from an A to C substitution at nucleotide position 6991. The asparagine at codon 2331 is replaced by histidine, an amino acid with similar properties. This amino acid position is conserved. In addition, this alteration is predicted to be tolerated by in silico analysis. Based on the available evidence, the clinical significance of this variant remains unclear.